The following is an entry in ClinVar:

ClinVar aggregate classification (germline): Likely benign (1 of 4 stars; one submission).

Submission:

CeGaT Center for Human Genetics Tuebingen
Classification: Likely benign. Last evaluated: 2023-01-01. Review status: criteria provided, single submitter. Criteria: CeGaT Center For Human Genetics Tuebingen Variant Classification Criteria Version 2. Collection method: clinical testing. Allele origin: germline. Affected: yes. Observed: 2 variant alleles.
Comment: SSPOP: BS2

NR_163594.1(SSPO):n.7244C>T

Variant type: single nucleotide variant.
Molecular consequence: non-coding transcript variant (on NR_163594.1).
Genome position: GRCh38 VCF-style: chr7-149798112-C-T. GRCh37 (hg19) VCF-style: chr7-149495200-C-T.
Identifiers: ClinVar variation 2658152 (VCV002658152.23), dbSNP rs142784210, ClinGen allele CA4557332.